The following is an entry in ClinVar:

ClinVar aggregate classification (germline): Uncertain significance (1 of 4 stars; one submission).

Conditions:
JAK2-related disorder. Also called: JAK2-related condition.

Submission:

3billion
Classification: Uncertain significance for JAK2-related disorder. Last evaluated: 2025-09-15. Review status: criteria provided, single submitter. Criteria: ACMG Guidelines, 2015. Collection method: clinical testing. Allele origin: germline. Affected: yes.
Comment: The variant is not observed in the gnomAD v4.1.0 dataset. Predicted Consequence/Location: Missense variant. Missense changes are a common disease-causing mechanism. In silico tool predictions suggest damaging effect of the variant on gene or gene product [REVEL: 0.62 (>=0.6, sensitivity 0.68 and specificity 0.92)]. Therefore, this variant is classified as VUS according to the recommendation of ACMG/AMP guideline.

NM_004972.4(JAK2):c.1740A>C (p.Leu580Phe)

Genes: JAK2 (Janus kinase 2; plus strand), INSL6 (insulin like 6; minus strand). Cytogenetic location: 9p24.1.
Variant type: single nucleotide variant.
Coding change: c.1740A>C on transcript NM_004972.4 (MANE Select); coding-DNA position 1740, A replaced by C.
Protein change: p.Leu580Phe; replaces leucine 580 with phenylalanine.
Molecular consequence: missense variant. On other transcripts: non-coding transcript variant (2).
Genome position (GRCh38, 1-based): chr9:5,072,590, A>C. VCF-style: chr9-5072590-A-C. GRCh37 (hg19) VCF-style: chr9-5072590-A-C.
Other names: c.1740A>C, p.Leu580Phe (NM_001322194.2, NM_001322195.2, NM_001322196.2); c.525A>C, p.Leu175Phe (NM_001322198.2, NM_001322199.2); c.1293A>C, p.Leu431Phe (NM_001322204.2); short protein forms L175F, L431F, L580F.
Identifiers: ClinVar variation 4855168 (VCV004855168.1).